The following is an entry in ClinVar:

NM_000264.5(PTCH1):c.2153C>T (p.Ser718Phe)

Genes: PTCH1 (patched 1; minus strand), LOC100507346 (uncharacterized LOC100507346; plus strand). Cytogenetic location: 9q22.32.
Variant type: single nucleotide variant.
Coding change: c.2153C>T on transcript NM_000264.5 (MANE Select); coding-DNA position 2153, C replaced by T.
Protein change: p.Ser718Phe; replaces serine 718 with phenylalanine.
Molecular consequence: missense variant. On other transcripts: non-coding transcript variant (2).
Genome position (GRCh38, 1-based): chr9:95,468,848, G>A on the plus strand (C>T on the coding strand, the complement: PTCH1 is on the minus strand). VCF-style: chr9-95468848-G-A. GRCh37 (hg19) VCF-style: chr9-98231130-G-A.
Other names: c.1955C>T, p.Ser652Phe (NM_001083602.3); c.2150C>T, p.Ser717Phe (NM_001083603.3); c.1700C>T, p.Ser567Phe (NM_001083604.3, NM_001083605.3, NM_001083606.3 and 1 more transcripts); c.1997C>T, p.Ser666Phe (NM_001354918.2); short protein forms S652F, S666F, S717F, S567F, S718F.
Identifiers: ClinVar variation 1786785 (VCV001786785.5), dbSNP rs2118032855, ClinGen allele CA374115524.

ClinVar aggregate classification (germline): Uncertain significance. Review status: criteria provided, multiple submitters, no conflicts (2 of 4 stars). 2 submissions from 2 submitters: Uncertain significance (2). Last evaluated 2024-04-04.

Conditions:
Hereditary cancer-predisposing syndrome. Also called: Tumor predisposition; Neoplastic Syndromes, Hereditary; Hereditary Cancer Syndrome; Hereditary neoplastic syndrome. Identifiers: Orphanet 140162, MedGen C0027672, MeSH D009386, MONDO:0015356.
Gorlin syndrome. Also called: Nevoid Basal Cell Carcinoma Syndrome; Basal cell nevus syndrome. Identifiers: Orphanet 377, MedGen C0004779, MONDO:0007187.

gnomAD v4.1: 1 of 1,614,190 alleles (0.000062%); highest among the groups gnomAD compares: Non-Finnish European, 0.000085%; no homozygotes.

Submissions (2):

Labcorp Genetics (formerly Invitae), Labcorp
Classification: Uncertain significance for Gorlin syndrome. Last evaluated: 2024-04-04. Review status: criteria provided, single submitter. Criteria: Invitae Variant Classification Sherloc (09022015). Collection method: clinical testing. Allele origin: germline.
Comment: This sequence change replaces serine, which is neutral and polar, with phenylalanine, which is neutral and non-polar, at codon 718 of the PTCH1 protein (p.Ser718Phe). This variant is not present in population databases (gnomAD no frequency). This variant has not been reported in the literature in individuals affected with PTCH1-related conditions. ClinVar contains an entry for this variant (Variation ID: 1786785). Advanced modeling of protein sequence and biophysical properties (such as structural, functional, and spatial information, amino acid conservation, physicochemical variation, residue mobility, and thermodynamic stability) performed at Invitae indicates that this missense variant is not expected to disrupt PTCH1 protein function with a negative predictive value of 95%. In summary, the available evidence is currently insufficient to determine the role of this variant in disease. Therefore, it has been classified as a Variant of Uncertain Significance.

Ambry Genetics
Classification: Uncertain significance for Hereditary cancer-predisposing syndrome. Last evaluated: 2023-07-10. Review status: criteria provided, single submitter. Criteria: Ambry Variant Classification Scheme 2023. Collection method: clinical testing. Allele origin: germline.
Comment: The p.S718F variant (also known as c.2153C>T), located in coding exon 14 of the PTCH1 gene, results from a C to T substitution at nucleotide position 2153. The serine at codon 718 is replaced by phenylalanine, an amino acid with highly dissimilar properties. This amino acid position is not well conserved in available vertebrate species. In addition, this alteration is predicted to be tolerated by in silico analysis. Since supporting evidence is limited at this time, the clinical significance of this alteration remains unclear.